The following is an entry in ClinVar:

ClinVar aggregate classification (germline): Uncertain significance. Review status: criteria provided, multiple submitters, no conflicts (2 of 4 stars). 3 submissions from 3 submitters: Uncertain significance (3). Last evaluated 2026-09-10.

Conditions:
Asphyxiating thoracic dystrophy 4 (SRTD4). Also called: SHORT-RIB THORACIC DYSPLASIA 4; SHORT-RIB THORACIC DYSPLASIA 4 WITH OR WITHOUT POLYDACTYLY. Identifiers: Orphanet 474, MedGen C3151185, MONDO:0013441, OMIM 613819.
Nephronophthisis 12 (NPHP12). Identifiers: Orphanet 655, MedGen C3151186, MONDO:0013442, OMIM 613820.
TTC21B-related disorder. Also called: TTC21B-related condition; TTC21B-related disorders.

Allele frequency attached by ClinVar (database versions not stated): gnomAD 0.00001; TOPMed 0.00002; ExAC 0.00007.

Submissions (3):

PreventionGenetics, part of Exact Sciences
Classification: Uncertain significance for TTC21B-related condition. Last evaluated: 2026-09-10. Review status: criteria provided, single submitter. Criteria: ACMG Guidelines, 2015. Collection method: clinical testing. Allele origin: germline.
Comment: The TTC21B c.2588G>A variant is predicted to result in the amino acid substitution p.Arg863Gln. To our knowledge, this variant has not been reported in the literature. This variant is reported in 0.023% of alleles in individuals of South Asian descent in gnomAD. At this time, the clinical significance of this variant is uncertain due to the absence of conclusive functional and genetic evidence.

Fulgent Genetics
Classification: Uncertain significance for Asphyxiating thoracic dystrophy 4; Nephronophthisis 12. Last evaluated: 2024-05-16. Review status: criteria provided, single submitter. Criteria: ACMG Guidelines, 2015. Collection method: clinical testing. Allele origin: germline.

GeneDx
Classification: Uncertain significance. Last evaluated: 2023-01-27. Review status: criteria provided, single submitter. Criteria: GeneDx Variant Classification Process June 2021. Collection method: clinical testing. Allele origin: germline. Affected: yes.
Comment: In silico analysis supports that this missense variant has a deleterious effect on protein structure/function; Has not been previously published as pathogenic or benign to our knowledge

NM_024753.5(TTC21B):c.2588G>A (p.Arg863Gln)

Gene: TTC21B (tetratricopeptide repeat domain 21B; minus strand). Cytogenetic location: 2q24.3.
Variant type: single nucleotide variant.
Coding change: c.2588G>A on transcript NM_024753.5 (MANE Select); coding-DNA position 2588, G replaced by A.
Protein change: p.Arg863Gln; replaces arginine 863 with glutamine.
Molecular consequence: missense variant.
Genome position (GRCh38, 1-based): chr2:165,901,891, C>T on the plus strand (G>A on the coding strand, the complement: TTC21B is on the minus strand). VCF-style: chr2-165901891-C-T. GRCh37 (hg19) VCF-style: chr2-166758401-C-T.
Other names: short protein forms R863Q.
Identifiers: ClinVar variation 2574473 (VCV002574473.3), dbSNP rs776430414, ClinGen allele CA1941770.
Genomic context (GRCh38, chr2:165,901,891, plus strand): 5'-GCTAAATGTTTCTGTGCAGGAACTGCATCTGGCTGTTCCATCTGAACACGTTTTAGTACC[C>T]GAGCTTGTAATTCTCGAGCCTAGAAAAAATCAGTATAAAAGGGAATAAAAAAAAAAAAGG-3'
Protein context (NP_079029.3, residues 853-873): ALQQARELQA[Arg863Gln]VLKRVQMEQP